The following is an entry in ClinVar:

ClinVar aggregate classification (germline): Pathogenic (1 of 4 stars; one submission).

Submission:

GeneDx
Classification: Pathogenic. Last evaluated: 2024-04-17. Review status: criteria provided, single submitter. Criteria: GeneDx Variant Classification Process June 2021. Collection method: clinical testing. Allele origin: germline. Affected: yes.
Comment: In vitro study demonstrates altered collagen in fibroblast cells from a patient who harbors the p.(G809S) variant (PMID: 2116413); Occurs in the triple helical domain and replaces the glycine in the canonical Gly-X-Y repeat; missense substitution of a canonical glycine residue is expected to disrupt normal protein folding and function, and this is an established mechanism of disease (PMID: 34007986); Not observed at significant frequency in large population cohorts (gnomAD); In silico analysis supports that this missense variant has a deleterious effect on protein structure/function; This variant is associated with the following publications: (PMID: 18996919, 34007986, 2116413)

NM_000088.4(COL1A1):c.2425G>A (p.Gly809Ser)

Gene: COL1A1 (collagen type I alpha 1 chain; minus strand). Cytogenetic location: 17q21.33.
Variant type: single nucleotide variant.
Coding change: c.2425G>A on transcript NM_000088.4 (MANE Select); coding-DNA position 2425, G replaced by A.
Protein change: p.Gly809Ser; replaces glycine 809 with serine.
Molecular consequence: missense variant.
Genome position (GRCh38, 1-based): chr17:50,190,353, C>T on the plus strand (G>A on the coding strand, the complement: COL1A1 is on the minus strand). VCF-style: chr17-50190353-C-T. GRCh37 (hg19) VCF-style: chr17-48267714-C-T.
Other names: short protein forms G809S.
Identifiers: ClinVar variation 1326579 (VCV001326579.4), dbSNP rs72651663, ClinGen allele CA291543366.